The following is an entry in ClinVar:

ClinVar aggregate classification (germline): Uncertain significance. Review status: criteria provided, multiple submitters, no conflicts (2 of 4 stars). 2 submissions from 2 submitters: Uncertain significance (2). Last evaluated 2025-03-17.

Conditions:
Inborn genetic diseases. Identifiers: MedGen C0950123, MeSH D030342.

Allele frequency attached by ClinVar (database versions not stated): gnomAD exomes 0.00001; gnomAD 0.00003; ExAC 0.00005; TOPMed 0.00006.
gnomAD v4.1: 25 of 1,602,060 alleles (0.0016%); highest among the groups gnomAD compares: African/African-American, 0.011%; no homozygotes.

Submissions (2):

Labcorp Genetics (formerly Invitae), Labcorp
Classification: Uncertain significance. Last evaluated: 2025-03-17. Review status: criteria provided, single submitter. Criteria: Invitae Variant Classification Sherloc (09022015). Collection method: clinical testing. Allele origin: germline.
Comment: This sequence change replaces valine, which is neutral and non-polar, with methionine, which is neutral and non-polar, at codon 251 of the SPEG protein (p.Val251Met). The frequency data for this variant in the population databases is considered unreliable, as metrics indicate poor data quality at this position in the gnomAD database. This variant has not been reported in the literature in individuals affected with SPEG-related conditions. ClinVar contains an entry for this variant (Variation ID: 2190850). An algorithm developed to predict the effect of missense changes on protein structure and function (PolyPhen-2) suggests that this variant is likely to be tolerated. In summary, the available evidence is currently insufficient to determine the role of this variant in disease. Therefore, it has been classified as a Variant of Uncertain Significance.

Ambry Genetics
Classification: Uncertain significance for Inborn genetic diseases. Last evaluated: 2023-08-14. Review status: criteria provided, single submitter. Criteria: Ambry Variant Classification Scheme 2023. Collection method: clinical testing. Allele origin: germline.

NM_005876.5(SPEG):c.751G>A (p.Val251Met)

Gene: SPEG (striated muscle enriched protein kinase; plus strand). Cytogenetic location: 2q35.
Variant type: single nucleotide variant.
Coding change: c.751G>A on transcript NM_005876.5 (MANE Select); coding-DNA position 751, G replaced by A.
Protein change: p.Val251Met; replaces valine 251 with methionine.
Molecular consequence: missense variant.
Genome position (GRCh38, 1-based): chr2:219,445,097, G>A. VCF-style: chr2-219445097-G-A. GRCh37 (hg19) VCF-style: chr2-220309819-G-A.
Other names: c.751G>A (NM_005876.4); short protein forms V251M.
Identifiers: ClinVar variation 2190850 (VCV002190850.4), dbSNP rs771718834, ClinGen allele CA2125561.